The following is an entry in ClinVar:

ClinVar aggregate classification (germline): Likely benign (1 of 4 stars; one submission).

gnomAD v4.1: 21 of 1,614,094 alleles (0.0013%); highest among the groups gnomAD compares: Non-Finnish European, 0.0017%; no homozygotes.

Submission:

CeGaT Center for Human Genetics Tuebingen
Classification: Likely benign. Last evaluated: 2022-07-01. Review status: criteria provided, single submitter. Criteria: CeGaT Center For Human Genetics Tuebingen Variant Classification Criteria Version 2. Collection method: clinical testing. Allele origin: germline. Affected: yes. Observed: 1 variant allele.
Comment: MACF1: BP4

NM_001394062.1(MACF1):c.14821A>T (p.Ser4941Cys)

Genes: MACF1 (microtubule actin crosslinking factor 1; plus strand), LOC114803468 (MACF1 eExon liver enhancer; plus strand). Cytogenetic location: 1p34.3.
Variant type: single nucleotide variant.
Coding change: c.14821A>T on transcript NM_001394062.1 (MANE Select); coding-DNA position 14821, A replaced by T.
Protein change: p.Ser4941Cys; replaces serine 4941 with cysteine.
Molecular consequence: missense variant.
Genome position (GRCh38, 1-based): chr1:39,387,663, A>T. VCF-style: chr1-39387663-A-T. GRCh37 (hg19) VCF-style: chr1-39853335-A-T.
Other names: c.8635A>T, p.Ser2879Cys (NM_012090.5); short protein forms S2879C, S4941C.
Identifiers: ClinVar variation 2638702 (VCV002638702.24), dbSNP rs563960368, ClinGen allele CA782310.
Genomic context (GRCh38, chr1:39,387,663, plus strand): 5'-GATTGTAAAGCTAAGATGTCTGAGTTGCGAGTCACTCTGGATCCAGTGCAGCTAGAGTCC[A>T]GTCTCCTAAGATCAAAGGCTATGCTGAATGAGGTGGAGAAGCGCCGCTCCCTGCTGGAAA-3'
Protein context (NP_001380991.1, residues 4931-4951): VTLDPVQLES[Ser4941Cys]LLRSKAMLNE